The following is an entry in ClinVar:

NM_007325.5(GRIA3):c.528G>A (p.Ala176=)

Gene: GRIA3 (glutamate ionotropic receptor AMPA type subunit 3; plus strand). Cytogenetic location: Xq25.
Variant type: single nucleotide variant.
Coding change: c.528G>A on transcript NM_007325.5 (MANE Select); coding-DNA position 528, G replaced by A.
Protein change: p.Ala176=; no amino-acid change (alanine 176 retained).
Molecular consequence: synonymous variant.
Genome position (GRCh38, 1-based): chrX:123,326,045, G>A. VCF-style: chrX-123326045-G-A. GRCh37 (hg19) VCF-style: chrX-122459896-G-A.
Other names: c.528G>A, p.Ala176= (NM_000828.5).
Identifiers: ClinVar variation 726157 (VCV000726157.33), dbSNP rs778056578, ClinGen allele CA10506908.

ClinVar aggregate classification (germline): Likely benign. Review status: criteria provided, multiple submitters, no conflicts (2 of 4 stars). 3 submissions from 3 submitters: Likely benign (3). Last evaluated 2026-02-03.

Allele frequency attached by ClinVar (database versions not stated): gnomAD 0.00001 and 0.00002; gnomAD exomes 0.00002 and 0.00008; TOPMed 0.00005; ExAC 0.00008.
gnomAD v4.1: 26 of 1,206,050 alleles (0.0022%); highest among the groups gnomAD compares: Admixed American, 0.037%; no homozygotes.

Submissions (3):

Labcorp Genetics (formerly Invitae), Labcorp
Classification: Likely benign. Last evaluated: 2026-02-03. Review status: criteria provided, single submitter. Criteria: Invitae Variant Classification Sherloc (09022015). Collection method: clinical testing. Allele origin: germline.

CeGaT Center for Human Genetics Tuebingen
Classification: Likely benign. Last evaluated: 2024-01-01. Review status: criteria provided, single submitter. Criteria: CeGaT Center For Human Genetics Tuebingen Variant Classification Criteria Version 2. Collection method: clinical testing. Allele origin: germline. Affected: yes. Observed: 1 variant allele.
Comment: GRIA3: BP4, BP7, BS2

GeneDx
Classification: Likely benign. Last evaluated: 2020-06-25. Review status: criteria provided, single submitter. Criteria: GeneDx Variant Classification Process June 2021. Collection method: clinical testing. Allele origin: germline. Affected: yes.